The following is an entry in ClinVar:

ClinVar aggregate classification (germline): Uncertain significance (1 of 4 stars; one submission).

gnomAD v4.1: 60 of 1,614,082 alleles (0.0037%); highest among the groups gnomAD compares: Non-Finnish European, 0.0051%; no homozygotes.

Submission:

Labcorp Genetics (formerly Invitae), Labcorp
Classification: Uncertain significance. Last evaluated: 2025-12-01. Review status: criteria provided, single submitter. Criteria: Invitae Variant Classification Sherloc (09022015). Collection method: clinical testing. Allele origin: germline.
Comment: This sequence change replaces lysine, which is basic and polar, with asparagine, which is neutral and polar, at codon 364 of the ADCY1 protein (p.Lys364Asn). This variant is present in population databases (rs747202140, gnomAD 0.003%). This variant has not been reported in the literature in individuals affected with ADCY1-related conditions. Invitae Evidence Modeling of protein sequence and biophysical properties (such as structural, functional, and spatial information, amino acid conservation, physicochemical variation, residue mobility, and thermodynamic stability) has been performed for this missense variant. However, the output from this modeling did not meet the statistical confidence thresholds required to predict the impact of this variant on ADCY1 protein function. In summary, the available evidence is currently insufficient to determine the role of this variant in disease. Therefore, it has been classified as a Variant of Uncertain Significance.

NM_021116.4(ADCY1):c.1092G>C (p.Lys364Asn)

Gene: ADCY1 (adenylate cyclase 1; plus strand). Cytogenetic location: 7p12.3.
Variant type: single nucleotide variant.
Coding change: c.1092G>C on transcript NM_021116.4 (MANE Select); coding-DNA position 1092, G replaced by C.
Protein change: p.Lys364Asn; replaces lysine 364 with asparagine.
Molecular consequence: missense variant.
Genome position (GRCh38, 1-based): chr7:45,648,741, G>C. VCF-style: chr7-45648741-G-C. GRCh37 (hg19) VCF-style: chr7-45688340-G-C.
Other names: c.417G>C, p.Lys139Asn (NM_001281768.2); short protein forms K139N, K364N.
Identifiers: ClinVar variation 4693941 (VCV004693941.1).